The following is an entry in ClinVar:

ClinVar aggregate classification (germline): Uncertain significance. Review status: criteria provided, multiple submitters, no conflicts (2 of 4 stars). 3 submissions from 3 submitters: Uncertain significance (3). Last evaluated 2026-07-21.

Conditions:
RASopathy. Also called: rasopathies; Noonan spectrum disorder. Identifiers: Orphanet 536391, MedGen C5555857, MONDO:0021060.
Cardiovascular phenotype. Identifiers: MedGen CN230736.

Allele frequency attached by ClinVar (database versions not stated): gnomAD 0.00001; TOPMed 0.00002.
gnomAD v4.1: 8 of 1,614,020 alleles (0.0005%); highest among the groups gnomAD compares: African/African-American, 0.0013%; no homozygotes.

Submissions (3):

GeneDx
Classification: Uncertain significance. Last evaluated: 2026-07-21. Review status: criteria provided, single submitter. Criteria: GeneDx Variant Classification Process June 2021. Collection method: clinical testing. Allele origin: germline.
Comment: Not observed at significant frequency in large population cohorts (gnomAD); In silico analysis suggests that this missense variant does not alter protein structure/function; Has not been previously published as pathogenic or benign to our knowledge; This variant is associated with the following publications: (PMID: 20619386)

Labcorp Genetics (formerly Invitae), Labcorp
Classification: Uncertain significance for RASopathy. Last evaluated: 2025-11-03. Review status: criteria provided, single submitter. Criteria: Invitae Variant Classification Sherloc (09022015). Collection method: clinical testing. Allele origin: germline.
Comment: This sequence change replaces proline, which is neutral and non-polar, with serine, which is neutral and polar, at codon 579 of the CBL protein (p.Pro579Ser). This variant is not present in population databases (gnomAD no frequency). This variant has not been reported in the literature in individuals affected with CBL-related conditions. ClinVar contains an entry for this variant (Variation ID: 561689). Invitae Evidence Modeling of protein sequence and biophysical properties (such as structural, functional, and spatial information, amino acid conservation, physicochemical variation, residue mobility, and thermodynamic stability) indicates that this missense variant is not expected to disrupt CBL protein function with a negative predictive value of 95%. In summary, the available evidence is currently insufficient to determine the role of this variant in disease. Therefore, it has been classified as a Variant of Uncertain Significance.

Ambry Genetics
Classification: Uncertain significance for Cardiovascular phenotype. Last evaluated: 2024-07-14. Review status: criteria provided, single submitter. Criteria: Ambry Variant Classification Scheme 2023. Collection method: clinical testing. Allele origin: germline.
Comment: The p.P579S variant (also known as c.1735C>T), located in coding exon 11 of the CBL gene, results from a C to T substitution at nucleotide position 1735. The proline at codon 579 is replaced by serine, an amino acid with similar properties. This amino acid position is conserved. In addition, the in silico prediction for this alteration is inconclusive. Based on the available evidence, the clinical significance of this variant remains unclear.

NM_005188.4(CBL):c.1735C>T (p.Pro579Ser)

Gene: CBL (Cbl proto-oncogene; plus strand). Cytogenetic location: 11q23.3.
Variant type: single nucleotide variant.
Coding change: c.1735C>T on transcript NM_005188.4 (MANE Select); coding-DNA position 1735, C replaced by T.
Protein change: p.Pro579Ser; replaces proline 579 with serine.
Molecular consequence: missense variant.
Genome position (GRCh38, 1-based): chr11:119,285,360, C>T. VCF-style: chr11-119285360-C-T. GRCh37 (hg19) VCF-style: chr11-119156070-C-T.
Other names: short protein forms P579S.
Identifiers: ClinVar variation 561689 (VCV000561689.12), dbSNP rs752260506, ClinGen allele CA382919909.